The following is an entry in ClinVar:

ClinVar aggregate classification (germline): Pathogenic (1 of 4 stars; one submission).

Conditions:
Cardiac arrhythmia. Also called: Arrhythmia; Cardiac rhythm disease. Identifiers: MedGen C0003811, MONDO:0007263, HP:0011675.

Submission:

Color Diagnostics, LLC DBA Color Health
Classification: Pathogenic for Cardiac arrhythmia. Last evaluated: 2025-06-23. Review status: criteria provided, single submitter. Criteria: ACMG Guidelines, 2015. Collection method: clinical testing. Allele origin: germline.
Comment: This variant deletes 1 nucleotide in exon 6 of the KCNH2 gene, creating a frameshift and premature translation stop signal. This variant is expected to result in an absent or non-functional protein product. To our knowledge, this variant has not been reported in individuals affected with KCNH2-related disorders in the literature. This variant has not been identified in the general population by the Genome Aggregation Database (gnomAD). Loss of KCNH2 function is a known mechanism of disease. Based on the available evidence, this variant is classified as Pathogenic.

NM_000238.4(KCNH2):c.1192del (p.Trp398fs)

Gene: KCNH2 (potassium voltage-gated channel subfamily H member 2; minus strand). Cytogenetic location: 7q36.1.
Variant type: Deletion.
Coding change: c.1192del on transcript NM_000238.4 (MANE Select); coding-DNA position 1192, one base deleted (T; older notation c.1192delT).
Protein change: p.Trp398fs; shifts the reading frame from tryptophan 398.
Molecular consequence: frameshift variant. On other transcripts: non-coding transcript variant (2).
Genome position (GRCh38, 1-based): chr7:150,952,790, A deleted on the plus strand (T on the coding strand, the reverse complement: KCNH2 is on the minus strand). VCF-style (leftmost placement, unchanged base first): chr7-150952789-CA-C. GRCh37 (hg19) VCF-style: chr7-150649877-CA-C.
Other names: c.172del, p.Trp58fs (NM_001204798.2, NM_172057.3); c.904del, p.Trp302fs (NM_001406753.1, NM_001406756.1); c.1015del, p.Trp339fs (NM_001406755.1); c.892del, p.Trp298fs (NM_001406757.1); c.1192del, p.Trp398fs (NM_172056.3); short protein forms W298fs, W302fs, W339fs, W398fs, W58fs.
Identifiers: ClinVar variation 4758579 (VCV004758579.1).
Genomic context (GRCh38, chr7:150,952,789, plus strand): 5'-ACCAGCAGCAGGATGAGCCAGTCCCACACGGCCTTGAAGGGGCTGTAATGCAGGATGGTC[CA>C]GCGGTGGATGCGCGGTGCCTGCAGCTTGTACTCAGGCAGCACGTCGGCGCCCAGGGACAG-3'